The following is an entry in ClinVar:

NM_014425.5(INVS):c.1342A>G (p.Asn448Asp)

Gene: INVS (inversin; plus strand). Cytogenetic location: 9q31.1.
Variant type: single nucleotide variant.
Coding change: c.1342A>G on transcript NM_014425.5 (MANE Select); coding-DNA position 1342, A replaced by G.
Protein change: p.Asn448Asp; replaces asparagine 448 with aspartic acid.
Molecular consequence: missense variant. On other transcripts: non-coding transcript variant (1).
Genome position (GRCh38, 1-based): chr9:100,253,014, A>G. VCF-style: chr9-100253014-A-G. GRCh37 (hg19) VCF-style: chr9-103015296-A-G.
Other names: c.1054A>G, p.Asn352Asp (NM_001318381.2); c.364A>G, p.Asn122Asp (NM_001318382.2); short protein forms N352D, N448D, N122D.
Identifiers: ClinVar variation 1508347 (VCV001508347.6), dbSNP rs2118563086, ClinGen allele CA374364832.

ClinVar aggregate classification (germline): Uncertain significance (1 of 4 stars; one submission).

Conditions:
Nephronophthisis. Also called: Juvenile Nephronophthisis. Identifiers: Orphanet 655, MedGen C0687120, MONDO:0019005, HP:0000090.

Submission:

Labcorp Genetics (formerly Invitae), Labcorp
Classification: Uncertain significance for Nephronophthisis. Last evaluated: 2022-07-12. Review status: criteria provided, single submitter. Criteria: Invitae Variant Classification Sherloc (09022015). Collection method: clinical testing. Allele origin: germline.
Comment: This variant has not been reported in the literature in individuals affected with INVS-related conditions. In summary, the available evidence is currently insufficient to determine the role of this variant in disease. Therefore, it has been classified as a Variant of Uncertain Significance. Algorithms developed to predict the effect of missense changes on protein structure and function are either unavailable or do not agree on the potential impact of this missense change (SIFT: "Deleterious"; PolyPhen-2: "Benign"; Align-GVGD: "Class C0"). ClinVar contains an entry for this variant (Variation ID: 1508347). This variant is not present in population databases (gnomAD no frequency). This sequence change replaces asparagine, which is neutral and polar, with aspartic acid, which is acidic and polar, at codon 448 of the INVS protein (p.Asn448Asp).